The following is an entry in ClinVar:

ClinVar aggregate classification (germline): Uncertain significance. Review status: criteria provided, multiple submitters, no conflicts (2 of 4 stars). 2 submissions from 2 submitters: Uncertain significance (2). Last evaluated 2026-05-14.

Conditions:
Cardiovascular phenotype. Identifiers: MedGen CN230736.
Hypercholesterolemia, autosomal dominant, type B (FHCL2). Also called: APOLIPOPROTEIN B-100, FAMILIAL DEFECTIVE; APOLIPOPROTEIN B-100, FAMILIAL LIGAND-DEFECTIVE; HYPERCHOLESTEROLEMIA, FAMILIAL, DUE TO LIGAND-DEFECTIVE APOLIPOPROTEIN B; Hyperlipoproteinemia Type IIb; Familial Hypercholesterolemia Type B; APOB-Related Familial Hypercholesterolemia, Autosomal Dominant. Identifiers: MedGen C1704417, MONDO:0007751, OMIM 144010.
Familial hypobetalipoproteinemia 1. Also called: Hypobetalipoproteinemia, normotriglyceridemic; Acanthocytosis with hypobetalipoproteinemia; APOB-Related Familial Hypobetalipoproteinemia. Identifiers: MedGen C4551990, MONDO:0014252, OMIM 615558.

Allele frequency attached by ClinVar (database versions not stated): gnomAD exomes below 0.00001.
gnomAD v4.1: 1 of 1,613,910 alleles (0.000062%); no homozygotes.

Submissions (2):

Ambry Genetics
Classification: Uncertain significance for Cardiovascular phenotype. Last evaluated: 2026-05-14. Review status: criteria provided, single submitter. Criteria: Ambry Variant Classification Scheme 2023. Collection method: clinical testing. Allele origin: germline.
Comment: The p.T2373I variant (also known as c.7118C>T), located in coding exon 26 of the APOB gene, results from a C to T substitution at nucleotide position 7118. The threonine at codon 2373 is replaced by isoleucine, an amino acid with similar properties. This amino acid position is conserved. In addition, this alteration is predicted to be tolerated by in silico analysis. Based on the available evidence, the clinical significance of this variant remains unclear.

New York Genome Center
Classification: Uncertain significance for Hypercholesterolemia, autosomal dominant, type B; Familial hypobetalipoproteinemia 1. Last evaluated: 2020-11-18. Review status: criteria provided, single submitter. Criteria: NYGC Assertion Criteria 2020. Collection method: clinical testing. Allele origin: germline. Observed: 2 heterozygotes. Clinical features observed: Hyperlipidemia (HP:0003077), Type 2 diabetes mellitus (HP:0005978).
Comment: The c.7118C>T (p.Thr2373Ile) variant identified in the APOB gene substitutes a moderately conserved Threonine for Isoleucine at amino acid 2373/4564 (exon 26/29). This variant is absent from gnomAD(v3.0) suggesting it is not a common benign variant in the populations represented in that database. In silico algorithms do not agree on the effect of this variant, as it is predicted both Damaging (SIFT; score:0.024) and Benign (REVEL; score:0.094) to the function of the canonical transcript. This variant is reported in ClinVar (VarID:925059) as a Variant of Uncertain Significance, and to our current knowledge has not been reported in affected individuals in the literature. Given the lack of compelling evidence for its pathogenicity, the c.7118C>T (p.Thr2373Ile) variant identified in the APOB gene is reported as a Variant of Uncertain Significance.

NM_000384.3(APOB):c.7118C>T (p.Thr2373Ile)

Gene: APOB (apolipoprotein B; minus strand). Cytogenetic location: 2p24.1.
Variant type: single nucleotide variant.
Coding change: c.7118C>T on transcript NM_000384.3 (MANE Select); coding-DNA position 7118, C replaced by T.
Protein change: p.Thr2373Ile; replaces threonine 2373 with isoleucine.
Molecular consequence: missense variant.
Genome position (GRCh38, 1-based): chr2:21,009,750, G>A on the plus strand (C>T on the coding strand, the complement: APOB is on the minus strand). VCF-style: chr2-21009750-G-A. GRCh37 (hg19) VCF-style: chr2-21232622-G-A.
Other names: short protein forms T2373I.
Identifiers: ClinVar variation 925059 (VCV000925059.5), dbSNP rs1417267509, ClinGen allele CA345997996.